The following is an entry in ClinVar:

NM_000465.4(BARD1):c.1282G>A (p.Gly428Arg)

Gene: BARD1 (BRCA1 associated RING domain 1; minus strand). Cytogenetic location: 2q35.
Variant type: single nucleotide variant.
Coding change: c.1282G>A on transcript NM_000465.4 (MANE Select); coding-DNA position 1282, G replaced by A.
Protein change: p.Gly428Arg; replaces glycine 428 with arginine.
Molecular consequence: missense variant. On other transcripts: non-coding transcript variant (2), intron variant (3).
Genome position (GRCh38, 1-based): chr2:214,780,592, C>T on the plus strand (G>A on the coding strand, the complement: BARD1 is on the minus strand). VCF-style: chr2-214780592-C-T. GRCh37 (hg19) VCF-style: chr2-215645316-C-T.
Other names: c.1225G>A, p.Gly409Arg (NM_001282543.2); c.159-28037G>A (NM_001282548.2); c.215+16469G>A (NM_001282545.2); c.364+11705G>A (NM_001282549.2); short protein forms G428R, G409R.
Identifiers: ClinVar variation 1359428 (VCV001359428.9), dbSNP rs1553622106, ClinGen allele CA350453387.
Genomic context (GRCh38, chr2:214,780,592, plus strand): 5'-AGATGGTATTTCAGAGTAAGCATCCTACCTTAATAGAAGCAATATGGAGCAAAGTCTCTC[C>T]TCTATGATTTCTTTTCACAGCCATATTGGGCAACAGCTTCATTGCTGAGGGACTAGACAT-3'
Protein context (NP_000456.2, residues 418-438): PNMAVKRNHR[Gly428Arg]ETLLHIASIK

ClinVar aggregate classification (germline): Uncertain significance (1 of 4 stars; one submission).

Conditions:
Familial cancer of breast. Also called: Hereditary breast cancer; BREAST CANCER, FAMILIAL; hereditary breast carcinoma. Identifiers: Orphanet 227535, MedGen C0346153, MONDO:0016419, OMIM 114480. Disease mechanism: loss of function.

Submission:

Labcorp Genetics (formerly Invitae), Labcorp
Classification: Uncertain significance for Familial cancer of breast. Last evaluated: 2023-07-10. Review status: criteria provided, single submitter. Criteria: Invitae Variant Classification Sherloc (09022015). Collection method: clinical testing. Allele origin: germline.
Comment: This sequence change replaces glycine, which is neutral and non-polar, with arginine, which is basic and polar, at codon 428 of the BARD1 protein (p.Gly428Arg). In summary, the available evidence is currently insufficient to determine the role of this variant in disease. Therefore, it has been classified as a Variant of Uncertain Significance. An algorithm developed to predict the effect of missense changes on protein structure and function (PolyPhen-2) suggests that this variant is likely to be disruptive. ClinVar contains an entry for this variant (Variation ID: 1359428). This variant has not been reported in the literature in individuals affected with BARD1-related conditions. This variant is not present in population databases (gnomAD no frequency).